The following is an entry in ClinVar:

ClinVar aggregate classification (germline): Benign (1 of 4 stars; one submission).

Submission:

GeneDx
Classification: Benign. Last evaluated: 2018-06-19. Review status: criteria provided, single submitter. Criteria: GeneDx Variant Classification (06012015). Collection method: clinical testing. Allele origin: germline. Affected: yes.
Comment: This variant is considered likely benign or benign based on one or more of the following criteria: it is a conservative change, it occurs at a poorly conserved position in the protein, it is predicted to be benign by multiple in silico algorithms, and/or has population frequency not consistent with disease.

NM_012470.4(TNPO3):c.1859+209dup

Gene: TNPO3 (transportin 3; minus strand). Cytogenetic location: 7q32.1.
Variant type: Duplication.
Coding change: c.1859+209dup on transcript NM_012470.4 (MANE Select); 209 bases into the intron after coding-DNA position 1859, one base duplicated (A; older notation c.1859+209dupA).
Molecular consequence: intron variant.
Genome position (GRCh38, 1-based): chr7:128,982,035, T duplicated on the plus strand (A on the coding strand, the reverse complement: TNPO3 is on the minus strand); the first of 5 consecutive T bases (chr7:128,982,035-128,982,039); duplicating any one gives the same sequence. VCF-style (leftmost placement, unchanged base first): chr7-128982034-C-CT. GRCh37 (hg19) VCF-style: chr7-128622088-C-CT.
Other names: c.1859+209dup (NM_001382220.1, NM_001382218.1); c.1961+209dup (NM_001382216.1); c.1940+209dup (NM_001382217.1); c.1715+209dup (NM_001382221.1); c.1712+209dup (NM_001382222.1); c.1751+209dup (NM_001382219.1); c.1667+209dup (NM_001382223.1, NM_001191028.3).
Identifiers: ClinVar variation 670781 (VCV000670781.1), dbSNP rs35552227, ClinGen allele CA166211850.